The following is an entry in ClinVar:

ClinVar aggregate classification (germline): Benign/Likely benign. Review status: criteria provided, multiple submitters, no conflicts (2 of 4 stars). 5 submissions from 5 submitters: Benign (3); Likely benign (2). Last evaluated 2026-09-01.

Allele frequency attached by ClinVar (database versions not stated): 1000 Genomes Project 0.00120; 1000 Genomes Project 30x 0.00141; gnomAD 0.00237 and 0.00239; gnomAD exomes 0.00241 and 0.00338; TOPMed 0.00244; ESP Exome Variant Server 0.00247; ExAC 0.00271.
gnomAD v4.1: 5,285 of 1,611,890 alleles (0.33%); highest among the groups gnomAD compares: Non-Finnish European, 0.4%; 11 homozygotes.

Submissions (5):

CeGaT Center for Human Genetics Tuebingen
Classification: Likely benign. Last evaluated: 2026-09-01. Review status: criteria provided, single submitter. Criteria: CeGaT Center For Human Genetics Tuebingen Variant Classification Criteria Version 2. Collection method: clinical testing. Allele origin: germline. Affected: yes. Observed: 12 variant alleles.
Comment: MYCN: BP4, BP7, BS1

Labcorp Genetics (formerly Invitae), Labcorp
Classification: Benign. Last evaluated: 2026-01-19. Review status: criteria provided, single submitter. Criteria: Invitae Variant Classification Sherloc (09022015). Collection method: clinical testing. Allele origin: germline.

Blueprint Genetics
Classification: Likely benign. Last evaluated: 2024-11-15. Review status: criteria provided, single submitter. Criteria: ACMG Guidelines, 2015. Collection method: clinical testing. Allele origin: germline.

Eurofins Ntd Llc (ga)
Classification: Benign. Last evaluated: 2015-06-08. Review status: criteria provided, single submitter. Criteria: EGL Classification Definitions 2015. Collection method: clinical testing. Allele origin: germline. Observed: 1 variant allele, 1 heterozygote.

GeneDx
Classification: Benign. Last evaluated: 2015-03-03. Review status: criteria provided, single submitter. Criteria: GeneDx Variant Classification Process June 2021. Collection method: clinical testing. Allele origin: germline. Affected: yes.

NM_005378.6(MYCN):c.207G>A (p.Glu69=)

Genes: MYCN (MYCN proto-oncogene, bHLH transcription factor; plus strand), MYCNOS (MYCN opposite strand; minus strand). Cytogenetic location: 2p24.3.
Variant type: single nucleotide variant.
Coding change: c.207G>A on transcript NM_005378.6 (MANE Select); coding-DNA position 207, G replaced by A.
Protein change: p.Glu69=; no amino-acid change (glutamic acid 69 retained).
Molecular consequence: synonymous variant. On other transcripts: non-coding transcript variant (1), 3 prime UTR variant (1), intron variant (1).
Genome position (GRCh38, 1-based): chr2:15,942,271, G>A. VCF-style: chr2-15942271-G-A. GRCh37 (hg19) VCF-style: chr2-16082393-G-A.
Other names: c.207G>A, p.Glu69= (NM_001293228.2); c.*142G>A (NM_001293233.2); c.157+1528G>A (NM_001293231.2).
Identifiers: ClinVar variation 195243 (VCV000195243.42), dbSNP rs41264199, ClinGen allele CA201638.